The following is an entry in ClinVar:

ClinVar aggregate classification (germline): Uncertain significance. Review status: criteria provided, single submitter (1 of 4 stars). 2 submissions from 2 submitters: Uncertain significance (1). 1 of the submissions does not count toward it. Last evaluated 2025-08-29.

Conditions:
Inborn genetic diseases. Identifiers: MedGen C0950123, MeSH D030342.

Allele frequency attached by ClinVar (database versions not stated): gnomAD exomes below 0.00001; gnomAD 0.00001.
gnomAD v4.1: 4 of 1,614,140 alleles (0.00025%); highest among the groups gnomAD compares: Admixed American, 0.0017%; no homozygotes.

Submissions (2):

Ambry Genetics
Classification: Uncertain significance for Inborn genetic diseases. Last evaluated: 2025-08-29. Review status: criteria provided, single submitter. Criteria: Ambry Variant Classification Scheme 2023. Collection method: clinical testing. Allele origin: germline.

ITMI
No classification provided. Condition: AllHighlyPenetrant. Last evaluated: 2013-09-19. Review status: no classification provided. Collection method: reference population. Allele origin: germline. Not counted in ClinVar's aggregate classification.
Comment: Please see associated publication for description of ethnicities

Literature cited by the submitters: PubMed 24728327 (cited by ITMI).

NM_004380.3(CREBBP):c.2050G>A (p.Ala684Thr)

Gene: CREBBP (CREB binding lysine acetyltransferase; minus strand). Cytogenetic location: 16p13.3.
Variant type: single nucleotide variant.
Coding change: c.2050G>A on transcript NM_004380.3 (MANE Select); coding-DNA position 2050, G replaced by A.
Protein change: p.Ala684Thr; replaces alanine 684 with threonine.
Molecular consequence: missense variant.
Genome position (GRCh38, 1-based): chr16:3,778,074, C>T on the plus strand (G>A on the coding strand, the complement: CREBBP is on the minus strand). VCF-style: chr16-3778074-C-T. GRCh37 (hg19) VCF-style: chr16-3828075-C-T.
Other names: c.2050G>A (NM_004380.2); c.1936G>A, p.Ala646Thr (NM_001079846.1); short protein forms A684T, A646T.
Identifiers: ClinVar variation 133944 (VCV000133944.2), dbSNP rs587778217, ClinGen allele CA158207.